The following is an entry in ClinVar:

ClinVar aggregate classification (germline): Likely pathogenic (1 of 4 stars; one submission).

Conditions:
Renal tubulopathies.

Submission:

Genetics Laboratory, Great Ormond Street Hospital NHS Foundation Trust, North Thames Genomic Laboratory Hub
Classification: Likely pathogenic for Renal tubulopathies. Last evaluated: 2025-12-15. Review status: criteria provided, single submitter. Criteria: ACGS Best Practice Guidelines for Variant Classification in Rare Disease 2024 v1.2. Collection method: clinical testing. Allele origin: germline. Affected: yes.
Comment: PM2_moderate, PVS1_moderate, PM3_supporting, PP4_supporting

NM_003041.4(SLC5A2):c.1665+2T>C

Gene: SLC5A2 (solute carrier family 5 member 2; plus strand). Cytogenetic location: 16p11.2.
Variant type: single nucleotide variant.
Coding change: c.1665+2T>C on transcript NM_003041.4 (MANE Select); the canonical splice donor site of the intron after coding-DNA position 1665, T replaced by C.
Molecular consequence: splice donor variant.
Genome position (GRCh38, 1-based): chr16:31,489,340, T>C. VCF-style: chr16-31489340-T-C. GRCh37 (hg19) VCF-style: chr16-31500661-T-C.
Identifiers: ClinVar variation 4759359 (VCV004759359.1).